The following is an entry in ClinVar:

NM_012463.4(ATP6V0A2):c.*2357C>T

Gene: ATP6V0A2 (ATPase H+ transporting V0 subunit a2; plus strand). Cytogenetic location: 12q24.31.
Variant type: single nucleotide variant.
Coding change: c.*2357C>T on transcript NM_012463.4 (MANE Select); 2357 bases downstream of the stop codon, C replaced by T.
Molecular consequence: 3 prime UTR variant.
Genome position (GRCh38, 1-based): chr12:123,760,389, C>T. VCF-style: chr12-123760389-C-T. GRCh37 (hg19) VCF-style: chr12-124244936-C-T.
Identifiers: ClinVar variation 884056 (VCV000884056.5), dbSNP rs117222175, ClinGen allele CA245167487.
Genomic context (GRCh38, chr12:123,760,389, plus strand): 5'-CTAACTCTGGGAAAGCGCTCTCTGGAAATGTAGTTTGATAATAGTGTCTTATAGGGGCCA[C>T]GGGAATTTGTTTCTCTATAAAGCGATGGGCTCCAGTGTCATGTTACCAGAGTTATCGCTC-3'

ClinVar aggregate classification (germline): Benign. Review status: criteria provided, multiple submitters, no conflicts (2 of 4 stars). 2 submissions from 2 submitters: Benign (2). Last evaluated 2018-01-13.

Conditions:
Cutis laxa with osteodystrophy (ARCL2A). Also called: CUTIS LAXA WITH CONGENITAL DISORDER OF GLYCOSYLATION; Autosomal recessive cutis laxa type 2A; CUTIS LAXA, AUTOSOMAL RECESSIVE, TYPE IIA; Debré-Type Cutis Laxa; CUTIS LAXA WITH BONE DYSTROPHY; CUTIS LAXA WITH GROWTH AND DEVELOPMENTAL DELAY. Identifiers: Orphanet 357058, MedGen C0268355, MONDO:0018163, OMIM 219200. Disease mechanism: loss of function.

Allele frequency attached by ClinVar (database versions not stated): 1000 Genomes Project 0.00599; gnomAD exomes 0.50000; 1000 Genomes Project 30x 0.00625; gnomAD 0.02075 and 0.02177; TOPMed 0.01947.
gnomAD v4.1: 3,179 of 152,248 alleles (2.1%); highest among the groups gnomAD compares: Non-Finnish European, 3.4%; 54 homozygotes.

Submissions (2):

Illumina Laboratory Services, Illumina
Classification: Benign for Cutis laxa with osteodystrophy. Last evaluated: 2018-01-13. Review status: criteria provided, single submitter. Criteria: ICSL Variant Classification Criteria 13 December 2019. Collection method: clinical testing. Allele origin: germline.
Comment: This variant was observed in the ICSL laboratory as part of a predisposition screen in an ostensibly healthy population. It had not been previously curated by ICSL or reported in the Human Gene Mutation Database (HGMD: prior to June 1st, 2018), and was therefore a candidate for classification through an automated scoring system. Utilizing variant allele frequency, disease prevalence and penetrance estimates, and inheritance mode, an automated score was calculated to assess if this variant is too frequent to cause the disease. Based on the score and internal cut-off values, a variant classified as benign is not then subjected to further curation. The score for this variant resulted in a classification of benign for this disease.

Breakthrough Genomics
Classification: Benign. Review status: criteria provided, single submitter. Criteria: ACMG Guidelines, 2015. Collection method: not provided. Allele origin: germline. Inheritance: Autosomal recessive inheritance. Affected: yes.